The following is an entry in ClinVar:

ClinVar aggregate classification (germline): Conflicting classifications of pathogenicity. Review status: criteria provided, conflicting classifications (1 of 4 stars). 2 submissions from 2 submitters: Uncertain significance (1); Likely benign (1). Last evaluated 2023-03-23.

Conditions:
Hereditary cancer-predisposing syndrome. Also called: Neoplastic Syndromes, Hereditary; Tumor predisposition; Hereditary Cancer Syndrome; Hereditary neoplastic syndrome. Identifiers: Orphanet 140162, MedGen C0027672, MeSH D009386, MONDO:0015356.

Submissions (2):

University of Washington Department of Laboratory Medicine, University of Washington
Classification: Likely benign for Hereditary cancer-predisposing syndrome. Last evaluated: 2023-03-23. Review status: criteria provided, single submitter. Criteria: Dines et al. (Genet Med. 2020). Collection method: curation. Allele origin: germline.
Comment: Missense variant in a coldspot region where missense variants are very unlikely to be pathogenic (PMID:31911673).

BRCA1 coldspot (exon 11 using historical exon numbering). Reclassification based on statistical prior probability

Ambry Genetics
Classification: Uncertain significance for Hereditary cancer-predisposing syndrome. Last evaluated: 2020-05-21. Review status: criteria provided, single submitter. Criteria: Ambry Variant Classification Scheme 2023. Collection method: clinical testing. Allele origin: germline.
Comment: The p.Q687R variant (also known as c.2060A>G), located in coding exon 9 of the BRCA1 gene, results from an A to G substitution at nucleotide position 2060. The glutamine at codon 687 is replaced by arginine, an amino acid with highly similar properties. This amino acid position is not well conserved in available vertebrate species. In addition, the in silico prediction for this alteration is inconclusive. Since supporting evidence is limited at this time, the clinical significance of this alteration remains unclear.

Literature cited by the submitters: PubMed 26452128 (cited by Ambry Genetics).

NM_007294.4(BRCA1):c.2060A>G (p.Gln687Arg)

Gene: BRCA1 (BRCA1 DNA repair associated; minus strand). Cytogenetic location: 17q21.31.
Variant type: single nucleotide variant.
Coding change: c.2060A>G on transcript NM_007294.4 (MANE Select); coding-DNA position 2060, A replaced by G.
Protein change: p.Gln687Arg; replaces glutamine 687 with arginine.
Molecular consequence: missense variant. On other transcripts: intron variant (137).
Genome position (GRCh38, 1-based): chr17:43,093,471, T>C on the plus strand (A>G on the coding strand, the complement: BRCA1 is on the minus strand). VCF-style: chr17-43093471-T-C. GRCh37 (hg19) VCF-style: chr17-41245488-T-C.
Other names: c.661+1273A>G (NM_001408432.1, NM_001408446.1, NM_001408435.1 and 6 more transcripts); c.667+2375A>G (NM_001408431.1, NM_001408424.1, NM_001408421.1); c.784+1273A>G (NM_001408407.1, NM_001408402.1, NM_001408473.1 and 13 more transcripts); c.664+1273A>G (NM_001408443.1, NM_001408439.1, NM_001408436.1 and 12 more transcripts); c.1850A>G, p.Gln617Arg (NM_001407900.1, NM_001407902.1, NM_001407904.1 and 13 more transcripts); c.1847A>G, p.Gln616Arg (NM_001407915.1, NM_001407916.1, NM_001407917.1 and 9 more transcripts); c.1937A>G, p.Gln646Arg (NM_001407919.1, NM_001407937.1, NM_001407938.1 and 19 more transcripts); c.1796A>G, p.Gln599Arg (NM_001407920.1, NM_001407921.1, NM_001407922.1 and 9 more transcripts); and 40 more; short protein forms Q391R, Q559R, Q617R, Q639R, Q661R, Q576R, Q598R, Q619R.
Identifiers: ClinVar variation 1785219 (VCV001785219.4), dbSNP rs28897680, ClinGen allele CA10597883.